The following is an entry in ClinVar:

ClinVar aggregate classification (germline): Uncertain significance (1 of 4 stars; one submission).

Conditions:
Axenfeld-Rieger syndrome type 3 (RIEG3). Also called: AXENFELD-RIEGER ANOMALY WITH CARDIAC DEFECTS AND/OR SENSORINEURAL HEARING LOSS. Identifiers: Orphanet 782, MedGen C2678503, MONDO:0011233, OMIM 602482.

Submission:

Labcorp Genetics (formerly Invitae), Labcorp
Classification: Uncertain significance for Axenfeld-Rieger syndrome type 3. Last evaluated: 2025-04-14. Review status: criteria provided, single submitter. Criteria: Invitae Variant Classification Sherloc (09022015). Collection method: clinical testing. Allele origin: germline.
Comment: This sequence change affects codon 290 of the FOXC1 mRNA. It is a 'silent' change, meaning that it does not change the encoded amino acid sequence of the FOXC1 protein. This variant is not present in population databases (gnomAD no frequency). This variant has not been reported in the literature in individuals affected with FOXC1-related conditions. ClinVar contains an entry for this variant (Variation ID: 3693815). In summary, the available evidence is currently insufficient to determine the role of this variant in disease. Therefore, it has been classified as a Variant of Uncertain Significance.

NM_001453.3(FOXC1):c.870C>T (p.Ser290=)

Gene: FOXC1 (forkhead box C1; plus strand). Cytogenetic location: 6p25.3.
Variant type: single nucleotide variant.
Coding change: c.870C>T on transcript NM_001453.3 (MANE Select); coding-DNA position 870, C replaced by T.
Protein change: p.Ser290=; no amino-acid change (serine 290 retained).
Molecular consequence: synonymous variant.
Genome position (GRCh38, 1-based): chr6:1,611,315, C>T. VCF-style: chr6-1611315-C-T. GRCh37 (hg19) VCF-style: chr6-1611550-C-T.
Identifiers: ClinVar variation 3693815 (VCV003693815.2).